The following is an entry in ClinVar:

NM_001164508.2(NEB):c.12645_12646del (p.Tyr4216fs)

Gene: NEB (nebulin; minus strand). Cytogenetic location: 2q23.3.
Variant type: Microsatellite.
Coding change: c.12645_12646del on transcript NM_001164508.2 (MANE Select); coding-DNA positions 12645 to 12646, 2 bases deleted (CT; older notation c.12645_12646delCT).
Protein change: p.Tyr4216fs; shifts the reading frame from tyrosine 4216.
Molecular consequence: frameshift variant. On other transcripts: intron variant (1).
Genome position (GRCh38, 1-based): chr2:151,606,707-151,606,708, AG deleted on the plus strand (CT on the coding strand, the reverse complement: NEB is on the minus strand); deleting any 2 consecutive bases within chr2:151,606,707-151,606,710 gives the same sequence; the c. name uses the placement nearest the transcript's 3' end. VCF-style (leftmost placement, unchanged base first): chr2-151606706-TAG-T. GRCh37 (hg19) VCF-style: chr2-152463220-TAG-T.
Other names: c.12645_12646del (NM_001271208.1); c.12645_12646del, p.Tyr4216fs (NM_001164507.2, NM_001271208.2); c.12643_12644CT[1], p.Tyr4216Profs (NM_001271208.1); c.11601+3101_11601+3102del (NM_004543.5); short protein forms Y4216fs.
Identifiers: ClinVar variation 4814714 (VCV004814714.1).

ClinVar aggregate classification (germline): Likely pathogenic (1 of 4 stars; one submission).

Conditions:
Nemaline myopathy 2 (NEM2). Also called: Nemaline myopathy 2, autosomal recessive. Identifiers: MedGen C1850569, MONDO:0009725, OMIM 256030.

Submission:

Natera, Inc.
Classification: Likely pathogenic for Nemaline myopathy type 2. Last evaluated: 2025-10-27. Review status: criteria provided, single submitter. Criteria: Natera Variant Classification Schema (03/2026). Collection method: clinical testing. Allele origin: germline.
Comment: The c.12645_12646del variant in NEB is a frameshift variant predicted to shift the reading frame beginning at codon 4216 and leads to a stop codon 6 codons downstream. This variant is expected to result in nonsense mediated decay, truncation, or a dysfunctional protein product. This variant is rare in the general population with a frequency below the threshold expected for the associated phenotype(s). Given the available evidence, this variant is classified as Likely Pathogenic.